The following is an entry in ClinVar:

ClinVar aggregate classification (germline): Uncertain significance. Review status: criteria provided, multiple submitters, no conflicts (2 of 4 stars). 3 submissions from 3 submitters: Uncertain significance (2). 1 of the submissions does not count toward it. Last evaluated 2024-02-07.

Conditions:
Hereditary breast ovarian cancer syndrome. Also called: Hereditary breast and/or ovarian cancer syndrome; Breast and ovarian cancer; Hereditary breast and ovarian cancer syndrome; Hereditary breast and ovarian cancer; Hereditary breast and ovarian cancer syndrome (HBOC); BRCA1- and BRCA2-Associated Hereditary Breast and Ovarian Cancer. Identifiers: Orphanet 145, MedGen C0677776, MeSH D061325, MONDO:0003582. Disease mechanism: loss of function.
Breast-ovarian cancer, familial, susceptibility to, 1 (BROVCA1). Also called: BRCA1 Hereditary Breast and Ovarian Cancer; OVARIAN CANCER, SUSCEPTIBILITY TO. Identifiers: Orphanet 145, MedGen C2676676, MONDO:0011450, OMIM 604370. Disease mechanism: loss of function.

Submissions (4):

Labcorp Genetics (formerly Invitae), Labcorp
Classification: Uncertain significance for Hereditary breast ovarian cancer syndrome. Last evaluated: 2024-02-07. Review status: criteria provided, single submitter. Criteria: Invitae Variant Classification Sherloc (09022015). Collection method: clinical testing. Allele origin: germline.
Comment: This variant occurs in a non-coding region of the BRCA1 gene. It does not change the encoded amino acid sequence of the BRCA1 protein. This variant is not present in population databases (gnomAD no frequency). This variant has not been reported in the literature in individuals affected with BRCA1-related conditions. ClinVar contains an entry for this variant (Variation ID: 125484). Experimental studies and prediction algorithms are not available or were not evaluated, and the functional significance of this variant is currently unknown. In summary, the available evidence is currently insufficient to determine the role of this variant in disease. Therefore, it has been classified as a Variant of Uncertain Significance.

Women's Health and Genetics/Laboratory Corporation of America, LabCorp
Classification: Uncertain significance. Last evaluated: 2019-01-18. Review status: criteria provided, single submitter. Criteria: LabCorp Variant Classification Summary - May 2015. Collection method: clinical testing. Allele origin: germline.
Comment: Variant summary: The variant, BRCA1 c.-3G>C is located in the untranslated mRNA region upstream of the initiation codon. Several computational tools predict no significant impact on normal splicing. However, these predictions have yet to be confirmed by functional studies. The variant was absent in 245678 control chromosomes (gnomAD). The available data on variant occurrences in the general population are insufficient to allow any conclusion about variant significance. To our knowledge, no occurrence of c.-3G>C in individuals affected with Hereditary Breast and Ovarian Cancer has been reported. At least one publication reports experimental evidence showing no damaging effect of this variant on protein function (Findlay_2018). No clinical diagnostic laboratories have submitted clinical-significance assessments for this variant to ClinVar after 2014. Based on the evidence outlined above, the variant was classified as VUS-possibly benign.

Breast Cancer Information Core (BIC) (BRCA1)
Classification: Uncertain significance for Breast-ovarian cancer, familial 1. Last evaluated: 1998-06-22. Review status: no assertion criteria provided. Collection method: clinical testing. Allele origin: somatic. Affected: yes. Observed: 1 variant allele. Not counted in ClinVar's aggregate classification.

Brotman Baty Institute, University of Washington
No classification provided (evidence only). Condition: Breast-ovarian cancer, familial 1. Review status: no classification provided. Collection method: in vitro. Allele origin: not applicable. Functional consequence: functionally_normal. Not counted in ClinVar's aggregate classification.
ClinVar note: "not provided" was previously submitted as the classification for the variant. However, the classification appeared to be based only on an observation of functional data so it was converted to no classification on 2025-07-30.

Literature cited by the submitters: PubMed 9665150 (cited by Breast Cancer Information Core (BIC) (BRCA1)).

NM_007294.4(BRCA1):c.-3G>C

Gene: BRCA1 (BRCA1 DNA repair associated; minus strand). Cytogenetic location: 17q21.31.
Variant type: single nucleotide variant.
Coding change: c.-3G>C on transcript NM_007294.4 (MANE Select); 3 bases upstream of the start codon, G replaced by C.
Molecular consequence: 5 prime UTR variant. On other transcripts: non-coding transcript variant (1).
Genome position (GRCh38, 1-based): chr17:43,124,099, C>G on the plus strand (G>C on the coding strand, the complement: BRCA1 is on the minus strand). VCF-style: chr17-43124099-C-G. GRCh37 (hg19) VCF-style: chr17-41276116-C-G.
Other names: 117G>C; c.-191G>C (NM_001407571.1, NM_001407853.1, NM_001407879.1 and 46 more transcripts); c.-3G>C (NM_001407581.1, NM_001407582.1, NM_001407583.1 and 193 more transcripts); c.-260G>C (NM_001407694.1, NM_001407724.1, NM_001407727.1 and 11 more transcripts); c.-264G>C (NM_001407695.1, NM_001408465.1); c.-405G>C (NM_001407696.1); c.-289G>C (NM_001407697.1, NM_001407846.1, NM_001407920.1); c.-90G>C (NM_001407698.1, NM_001407732.1, NM_001407736.1 and 23 more transcripts); and 9 more.
Identifiers: ClinVar variation 125484 (VCV000125484.8), dbSNP rs273900720, ClinGen allele CA002561.
Genomic context (GRCh38, chr17:43,124,099, plus strand): 5'-TCTGCATAGCATTAATGACATTTTGTACTTCTTCAACGCGAAGAGCAGATAAATCCATTT[C>G]TTTCTGTTCCAATGAACTTTAACACATTAGAAAAACATATATATATATCTTTTTAAAAGG-3'